The following is an entry in ClinVar:

ClinVar aggregate classification (germline): Pathogenic (1 of 4 stars; one submission).

Conditions:
Walker-Warburg congenital muscular dystrophy. Also called: Muscular dystrophy-dystroglycanopathy, type A; Walker-Warburg syndrome. Identifiers: Orphanet 899, MedGen C0265221, MONDO:0000171.

Submission:

Labcorp Genetics (formerly Invitae), Labcorp
Classification: Pathogenic for Walker-Warburg congenital muscular dystrophy. Last evaluated: 2020-09-09. Review status: criteria provided, single submitter. Criteria: Invitae Variant Classification Sherloc (09022015). Collection method: clinical testing. Allele origin: germline.
Comment: This sequence change creates a premature translational stop signal (p.Asp196*) in the FKTN gene. It is expected to result in an absent or disrupted protein product. For these reasons, this variant has been classified as Pathogenic. Loss-of-function variants in FKTN are known to be pathogenic (PMID: 17044012, 17878207, 18752264). This variant has not been reported in the literature in individuals with FKTN-related conditions. This variant is not present in population databases (ExAC no frequency).

Literature cited by the submitters: PubMed 17044012; PubMed 17878207; PubMed 18752264.

NM_001079802.2(FKTN):c.585dup (p.Asp196Ter)

Gene: FKTN (fukutin; plus strand). Cytogenetic location: 9q31.2.
Variant type: Duplication.
Coding change: c.585dup on transcript NM_001079802.2 (MANE Select); coding-DNA position 585, one base duplicated (T; older notation c.585dupT).
Protein change: p.Asp196Ter; replaces aspartic acid 196 with a stop codon.
Molecular consequence: nonsense. On other transcripts: non-coding transcript variant (2).
Genome position (GRCh38, 1-based): chr9:105,604,430, T duplicated; the last of 2 consecutive T bases (chr9:105,604,429-105,604,430); duplicating either gives the same sequence. VCF-style (leftmost placement, unchanged base first): chr9-105604428-A-AT. GRCh37 (hg19) VCF-style: chr9-108366709-A-AT.
Other names: c.585dup, p.Asp196Ter (NM_001198963.2, NM_001351496.2, NM_001351498.2 and 1 more transcripts); c.516dup, p.Asp173Ter (NM_001351497.2); c.189dup, p.Asp64Ter (NM_001351499.2, NM_001351500.2, NM_001351501.2 and 1 more transcripts); short protein forms D173*, D196*, D64*.
Identifiers: ClinVar variation 1072787 (VCV001072787.7), dbSNP rs2132800552, ClinGen allele CA2499219528.
Genomic context (GRCh38, chr9:105,604,428, plus strand): 5'-GTCTTTCATGAGAGGAGTGGCAACTACCTCTGGCACGGCCACTTGAGACTTAAAGAACAC[A>AT]TTGACAGGAAATTTGTTCCCTTCCGAAAGTTACAGTTTGGTCGTTATCCAGGAGCTTTTG-3'